The following is an entry in ClinVar:

ClinVar aggregate classification (germline): Uncertain significance. Review status: criteria provided, multiple submitters, no conflicts (2 of 4 stars). 2 submissions from 2 submitters: Uncertain significance (2). Last evaluated 2026-04-27.

Conditions:
PAFAH1B1-related disorder. Also called: PAFAH1B1-related condition.
Inborn genetic diseases. Identifiers: MedGen C0950123, MeSH D030342.

Submissions (2):

Ambry Genetics
Classification: Uncertain significance for Inborn genetic diseases. Last evaluated: 2026-04-27. Review status: criteria provided, single submitter. Criteria: Ambry Variant Classification Scheme 2023. Collection method: clinical testing. Allele origin: germline.
Comment: The c.944C>A (p.S315Y) alteration is located in exon 9 (coding exon 8) of the PAFAH1B1 gene. This alteration results from a C to A substitution at nucleotide position 944, causing the serine (S) at amino acid position 315 to be replaced by a tyrosine (Y). This variant was not reported in population-based cohorts in the Genome Aggregation Database (gnomAD). This amino acid position is highly conserved in available vertebrate species. This alteration is predicted to be deleterious by in silico analysis. Based on insufficient or conflicting evidence, the clinical significance of this alteration remains unclear.

PreventionGenetics, part of Exact Sciences
Classification: Uncertain significance for PAFAH1B1-related condition. Last evaluated: 2026-02-03. Review status: criteria provided, single submitter. Criteria: ACMG Guidelines, 2015. Collection method: clinical testing. Allele origin: germline.
Comment: The PAFAH1B1 c.944C>A variant is predicted to result in the amino acid substitution p.Ser315Tyr. To our knowledge, this variant has not been reported in the literature or in a large population database (gnomAD), indicating this variant is rare. At this time, the clinical significance of this variant is uncertain due to the absence of conclusive functional and genetic evidence.

NM_000430.4(PAFAH1B1):c.944C>A (p.Ser315Tyr)

Gene: PAFAH1B1 (platelet activating factor acetylhydrolase 1b regulatory subunit 1; plus strand). Cytogenetic location: 17p13.3.
Variant type: single nucleotide variant.
Coding change: c.944C>A on transcript NM_000430.4 (MANE Select); coding-DNA position 944, C replaced by A.
Protein change: p.Ser315Tyr; replaces serine 315 with tyrosine.
Molecular consequence: missense variant.
Genome position (GRCh38, 1-based): chr17:2,676,548, C>A. VCF-style: chr17-2676548-C-A. GRCh37 (hg19) VCF-style: chr17-2579842-C-A.
Other names: short protein forms S315Y.
Identifiers: ClinVar variation 4861459 (VCV004861459.2).